The following is an entry in ClinVar:

ClinVar aggregate classification (germline): Uncertain significance (1 of 4 stars; one submission).

Conditions:
Primary open angle glaucoma (POAG). Also called: OPTN-related open angle glaucoma. Identifiers: MedGen C0339573, MONDO:0100553, OMIM 137760.
Amyotrophic lateral sclerosis type 12 (ALS12). Also called: AMYOTROPHIC LATERAL SCLEROSIS 12 WITH OR WITHOUT FRONTOTEMPORAL DEMENTIA. Identifiers: Orphanet 803, MedGen C3150692, MONDO:0013264, OMIM 613435.
Glaucoma 1, open angle, E. Identifiers: MedGen C1842026, MONDO:0007665.

Submission:

Labcorp Genetics (formerly Invitae), Labcorp
Classification: Uncertain significance for Primary open angle glaucoma; Glaucoma 1, open angle, E; Amyotrophic lateral sclerosis type 12. Last evaluated: 2023-03-30. Review status: criteria provided, single submitter. Criteria: Invitae Variant Classification Sherloc (09022015). Collection method: clinical testing. Allele origin: germline.
Comment: In summary, the available evidence is currently insufficient to determine the role of this variant in disease. Therefore, it has been classified as a Variant of Uncertain Significance. Advanced modeling of protein sequence and biophysical properties (such as structural, functional, and spatial information, amino acid conservation, physicochemical variation, residue mobility, and thermodynamic stability) performed at Invitae indicates that this missense variant is not expected to disrupt OPTN protein function. This variant has not been reported in the literature in individuals affected with OPTN-related conditions. This variant is not present in population databases (gnomAD no frequency). This sequence change replaces serine, which is neutral and polar, with proline, which is neutral and non-polar, at codon 118 of the OPTN protein (p.Ser118Pro).

NM_001008212.2(OPTN):c.352T>C (p.Ser118Pro)

Genes: OPTN (optineurin; plus strand), LOC108903148 (10p13 OPTN distal Alu-mediated recombination region; plus strand). Cytogenetic location: 10p13.
Variant type: single nucleotide variant.
Coding change: c.352T>C on transcript NM_001008212.2 (MANE Select); coding-DNA position 352, T replaced by C.
Protein change: p.Ser118Pro; replaces serine 118 with proline.
Molecular consequence: missense variant.
Genome position (GRCh38, 1-based): chr10:13,110,459, T>C. VCF-style: chr10-13110459-T-C. GRCh37 (hg19) VCF-style: chr10-13152459-T-C.
Other names: c.352T>C, p.Ser118Pro (NM_001008211.1, NM_001008213.1, NM_021980.4); short protein forms S118P.
Identifiers: ClinVar variation 2945970 (VCV002945970.3), dbSNP rs767786342, ClinGen allele CA376027725.